The following is an entry in ClinVar:

ClinVar aggregate classification (germline): Uncertain significance. Review status: criteria provided, multiple submitters, no conflicts (2 of 4 stars). 2 submissions from 2 submitters: Uncertain significance (2). Last evaluated 2022-07-19.

Conditions:
Inborn genetic diseases. Identifiers: MedGen C0950123, MeSH D030342.
Congenital myasthenic syndrome 5. Identifiers: Orphanet 590, MedGen C1864233, MONDO:0011281, OMIM 603034.

Allele frequency attached by ClinVar (database versions not stated): gnomAD exomes below 0.00001; ExAC 0.00001; gnomAD 0.00001; TOPMed 0.00001.

Submissions (2):

Labcorp Genetics (formerly Invitae), Labcorp
Classification: Uncertain significance for Congenital myasthenic syndrome 5. Last evaluated: 2022-07-19. Review status: criteria provided, single submitter. Criteria: Invitae Variant Classification Sherloc (09022015). Collection method: clinical testing. Allele origin: germline.
Comment: This variant is present in population databases (rs761127569, gnomAD 0.003%). In summary, the available evidence is currently insufficient to determine the role of this variant in disease. Therefore, it has been classified as a Variant of Uncertain Significance. Algorithms developed to predict the effect of missense changes on protein structure and function are either unavailable or do not agree on the potential impact of this missense change (SIFT: "Tolerated"; PolyPhen-2: "Probably Damaging"; Align-GVGD: "Class C0"). This variant has not been reported in the literature in individuals affected with COLQ-related conditions. This sequence change replaces glycine, which is neutral and non-polar, with valine, which is neutral and non-polar, at codon 70 of the COLQ protein (p.Gly70Val).

Ambry Genetics
Classification: Uncertain significance for Inborn genetic diseases. Last evaluated: 2022-03-21. Review status: criteria provided, single submitter. Criteria: Ambry Variant Classification Scheme 2023. Collection method: clinical testing. Allele origin: germline.

NM_005677.4(COLQ):c.209G>T (p.Gly70Val)

Gene: COLQ (collagen like tail subunit of asymmetric acetylcholinesterase; minus strand). Cytogenetic location: 3p25.1.
Variant type: single nucleotide variant.
Coding change: c.209G>T on transcript NM_005677.4 (MANE Select); coding-DNA position 209, G replaced by T.
Protein change: p.Gly70Val; replaces glycine 70 with valine.
Molecular consequence: missense variant.
Genome position (GRCh38, 1-based): chr3:15,489,535, C>A on the plus strand (G>T on the coding strand, the complement: COLQ is on the minus strand). VCF-style: chr3-15489535-C-A. GRCh37 (hg19) VCF-style: chr3-15531042-C-A.
Other names: c.209G>T (NM_005677.3); c.179G>T, p.Gly60Val (NM_080538.2); c.209G>T, p.Gly70Val (NM_080539.4); short protein forms G60V, G70V.
Identifiers: ClinVar variation 2193048 (VCV002193048.5), dbSNP rs761127569, ClinGen allele CA2276298.
Genomic context (GRCh38, chr3:15,489,535, plus strand): 5'-CACTGAGTAGCCTGCACTTTTTTTCCTCTCATAAATCCCAAAGTACTCACCGGACTTCGG[C>A]CACCTCTGAAGAATGGTGGTGGGAACAGTGGTGGTGGAGGAGGCGTCAGCAGGCAGCATG-3'
Protein context (NP_005668.2, residues 60-80): PLFPPPFFRG[Gly70Val]RSPLLSPDMK